The following is an entry in ClinVar:

ClinVar aggregate classification (germline): Likely pathogenic (1 of 4 stars; one submission).

Conditions:
Primary ciliary dyskinesia. Also called: Ciliary dyskinesia. Identifiers: Orphanet 244, MedGen C0008780, MONDO:0016575, HP:0012265.

gnomAD v4.1: 1 of 1,612,628 alleles (0.000062%); no homozygotes.

Submission:

Labcorp Genetics (formerly Invitae), Labcorp
Classification: Likely pathogenic for Primary ciliary dyskinesia. Last evaluated: 2020-03-19. Review status: criteria provided, single submitter. Criteria: Invitae Variant Classification Sherloc (09022015). Collection method: clinical testing. Allele origin: germline.
Comment: In summary, the currently available evidence indicates that the variant is pathogenic, but additional data are needed to prove that conclusively. Therefore, this variant has been classified as Likely Pathogenic. Donor and acceptor splice site variants typically lead to a loss of protein function (PMID: 16199547), and loss-of-function variants in DNAH5 are known to be pathogenic (PMID: 11788826, 16627867). Algorithms developed to predict the effect of sequence changes on RNA splicing suggest that this variant may disrupt the consensus splice site, but this prediction has not been confirmed by published transcriptional studies. This variant has not been reported in the literature in individuals with DNAH5-related conditions. This variant is not present in population databases (ExAC no frequency). This sequence change affects an acceptor splice site in intron 25 of the DNAH5 gene. It is expected to disrupt RNA splicing and likely results in an absent or disrupted protein product.

Literature cited by the submitters: PubMed 16199547; PubMed 11788826; PubMed 16627867.

NM_001369.3(DNAH5):c.4054-1G>A

Genes: DNAH5 (dynein axonemal heavy chain 5; minus strand), DNAH5-AS1 (DNAH5 antisense RNA 1; plus strand). Cytogenetic location: 5p15.2.
Variant type: single nucleotide variant.
Coding change: c.4054-1G>A on transcript NM_001369.3 (MANE Select); the canonical splice acceptor site of the intron before coding-DNA position 4054, G replaced by A.
Molecular consequence: splice acceptor variant.
Genome position (GRCh38, 1-based): chr5:13,866,283, C>T on the plus strand (G>A on the coding strand, the complement: DNAH5 is on the minus strand). VCF-style: chr5-13866283-C-T. GRCh37 (hg19) VCF-style: chr5-13866392-C-T.
Identifiers: ClinVar variation 1066157 (VCV001066157.7), dbSNP rs2151911687, ClinGen allele CA359226974.